The following is an entry in ClinVar:

NM_024408.4(NOTCH2):c.387T>C (p.Tyr129=)

Gene: NOTCH2 (notch receptor 2; minus strand). Cytogenetic location: 1p12.
Variant type: single nucleotide variant.
Coding change: c.387T>C on transcript NM_024408.4 (MANE Select); coding-DNA position 387, T replaced by C.
Protein change: p.Tyr129=; no amino-acid change (tyrosine 129 retained).
Molecular consequence: synonymous variant.
Genome position (GRCh38, 1-based): chr1:120,005,357, A>G on the plus strand (T>C on the coding strand, the complement: NOTCH2 is on the minus strand). VCF-style: chr1-120005357-A-G. GRCh37 (hg19) VCF-style: chr1-120547980-A-G.
Other names: c.387T>C, p.Tyr129= (NM_001200001.2).
Identifiers: ClinVar variation 3250947 (VCV003250947.18), dbSNP rs2524613937.

ClinVar aggregate classification (germline): Likely benign (1 of 4 stars; one submission).

gnomAD v4.1: 1 of 1,614,060 alleles (0.000062%); no homozygotes.

Submission:

CeGaT Center for Human Genetics Tuebingen
Classification: Likely benign. Last evaluated: 2024-06-01. Review status: criteria provided, single submitter. Criteria: CeGaT Center For Human Genetics Tuebingen Variant Classification Criteria Version 2. Collection method: clinical testing. Allele origin: germline. Affected: yes. Observed: 1 variant allele.
Comment: NOTCH2: PM2:Supporting, BP4, BP7